The following is an entry in ClinVar:

ClinVar aggregate classification (germline): Likely pathogenic. Review status: reviewed by expert panel (3 of 4 stars). 13 submissions from 12 submitters: Likely pathogenic (1). 12 of the submissions do not count toward it. Last evaluated 2025-11-11.

Conditions:
ATM-related cancer predisposition. Also called: ATM-related cancer susceptibility. Identifiers: MedGen CN377759, MONDO:0700270.
Abnormal central motor function. Identifiers: MedGen C4023354, HP:0011442.
Hereditary cancer-predisposing syndrome. Also called: Neoplastic Syndromes, Hereditary; Hereditary Cancer Syndrome; Tumor predisposition; Hereditary neoplastic syndrome. Identifiers: Orphanet 140162, MedGen C0027672, MeSH D009386, MONDO:0015356.
Familial cancer of breast. Also called: BREAST CANCER, FAMILIAL; hereditary breast carcinoma; Hereditary breast cancer. Identifiers: Orphanet 227535, MedGen C0346153, MONDO:0016419, OMIM 114480. Disease mechanism: loss of function.
Ataxia-telangiectasia syndrome (AT). Also called: Ataxia-telangiectasia, complementation group D; AT, COMPLEMENTATION GROUP C; Ataxia-telangiectasia; ATAXIA-TELANGIECTASIA, COMPLEMENTATION GROUP A; ATAXIA-TELANGIECTASIA, FRESNO VARIANT; Ataxia-telangiectasia, complementation group E. Identifiers: Orphanet 100, MedGen C0004135, MONDO:0008840, OMIM 208900.
Breast carcinoma. Also called: Carcinoma of breast. Identifiers: MedGen C0678222, MONDO:0004989, HP:0003002.

Submissions (13):

ClinGen Hereditary Breast, Ovarian and Pancreatic Cancer Variant Curation Expert Panel, ClinGen
Classification: Likely pathogenic for ATM-related cancer predisposition. Last evaluated: 2025-11-11. Review status: reviewed by expert panel. Criteria: ClinGen HBOP ACMG Specifications ATM V1.4.0. Collection method: curation. Allele origin: germline. Inheritance: Autosomal dominant inheritance.
Comment: The c.6047A>G variant in ATM is a missense variant predicted to cause substitution of aspartic acid by glycine at amino acid 2016 (p.Asp2016Gly). This variant has been detected in at least three unrelated individuals with Ataxia-Telangiectasia (PMID: 21965147, 26896183, 31741144). This variant is absent from gnomAD v.4.1.0. The computational predictor REVEL gives a score of 0.797, which is above the threshold of 0.7333, evidence that correlates with impact to ATM function. In summary, this variant meets the criteria to be classified as a likely pathogenic for autosomal dominant ATM-related cancer predisposition and autosomal recessive Ataxia-Telangiectasia based on the ACMG/AMP criteria applied as specified by the HBOP VCEP. (PM3_Strong, PM2_Supporting, PP3)

CeGaT Center for Human Genetics Tuebingen
Classification: Likely pathogenic. Last evaluated: 2025-12-01. Review status: criteria provided, single submitter. Criteria: CeGaT Center For Human Genetics Tuebingen Variant Classification Criteria Version 2. Collection method: clinical testing. Allele origin: germline. Affected: yes. Observed: 2 variant alleles. Not counted in ClinVar's aggregate classification.
Comment: ATM: PS3, PM2, PS4:Supporting

GeneKor MSA
Classification: Likely pathogenic for Hereditary cancer-predisposing syndrome. Last evaluated: 2025-06-25. Review status: criteria provided, single submitter. Criteria: ACMG Guidelines, 2015. Collection method: clinical testing. Allele origin: germline. Affected: yes. Not counted in ClinVar's aggregate classification.
Comment: This sequence change replaces Aspartic acid with glycine at codon 2016 of the ATM protein. The aspartic acid residue is highly conserved among species and is located in FAT domain of the ATM protein. This variant has been reported in the literature in patients with ataxia telangiectasia, in homozygosity or compound with another variant in the ATM gene (PMID:9887333, 21965147). The mutation database ClinVar contains entries for this variant (VCV000140823.82). Experimental study has shown that this variant reduced dramatically ATM protein level in a patient homozygous for this variant (PMID:9887333). For these reasons this variant has been classified as likely pathogenic.

Labcorp Genetics (formerly Invitae), Labcorp
Classification: Pathogenic for Ataxia-telangiectasia syndrome. Last evaluated: 2025-03-05. Review status: criteria provided, single submitter. Criteria: Invitae Variant Classification Sherloc (09022015). Collection method: clinical testing. Allele origin: germline. Not counted in ClinVar's aggregate classification.
Comment: This sequence change replaces aspartic acid, which is acidic and polar, with glycine, which is neutral and non-polar, at codon 2016 of the ATM protein (p.Asp2016Gly). This variant is not present in population databases (gnomAD no frequency). This missense change has been observed in individuals with ataxia telangiectasia and breast cancer (PMID: 9887333, 18634022, 21965147, 28120234, 31741144, 32658311). ClinVar contains an entry for this variant (Variation ID: 140823). Invitae Evidence Modeling of protein sequence and biophysical properties (such as structural, functional, and spatial information, amino acid conservation, physicochemical variation, residue mobility, and thermodynamic stability) indicates that this missense variant is expected to disrupt ATM protein function with a positive predictive value of 80%. Experimental studies have shown that this missense change affects ATM function (PMID: 18634022). For these reasons, this variant has been classified as Pathogenic.

Natera, Inc.
Classification: Pathogenic for Ataxia-telangiectasia. Last evaluated: 2024-05-30. Review status: criteria provided, single submitter. Criteria: Natera Variant Classification Schema (03/2026). Collection method: clinical testing. Allele origin: germline. Not counted in ClinVar's aggregate classification.
Comment: The c.6047A>G variant in ATM is a missense variant predicted to cause substitution of aspartic acid to glycine at amino acid 2016. This variant is rare in the general population with a frequency below the threshold expected for the associated phenotype(s). This variant has been observed in one or more individuals affected with the associated recessive disease, as either homozygous or compound heterozygous with a second variant (PMID: 34686943, 28120234, 26896183, 21965147). Functional studies show that this variant may disrupt protein function (PMID: 18634022). Computational prediction algorithms indicate this variant is likely to affect gene or protein function. Given the available evidence, this variant is classified as Pathogenic.

Fulgent Genetics
Classification: Pathogenic for Familial cancer of breast; Ataxia-telangiectasia syndrome. Last evaluated: 2024-03-23. Review status: criteria provided, single submitter. Criteria: ACMG Guidelines, 2015. Collection method: clinical testing. Allele origin: germline. Not counted in ClinVar's aggregate classification.

Myriad Genetics, Inc.
Classification: Likely pathogenic for Familial cancer of breast. Last evaluated: 2024-01-26. Review status: criteria provided, single submitter. Criteria: Myriad Autosomal Dominant, Autosomal Recessive and X-Linked Classification Criteria (2023). Collection method: clinical testing. Allele origin: unknown. Not counted in ClinVar's aggregate classification.
Comment: This variant is considered likely pathogenic. This variant has been reported in multiple individuals with clinical features of gene-specific disease [PMID: 18634022, 21965147]. Functional studies indicate this variant impacts protein function [PMID: 18634022].

Kariminejad - Najmabadi Pathology & Genetics Center
Classification: Likely pathogenic for Abnormal central motor function. Last evaluated: 2021-07-10. Review status: criteria provided, single submitter. Criteria: ACMG Guidelines, 2015. Collection method: clinical testing. Allele origin: germline. Affected: yes. Not counted in ClinVar's aggregate classification.

Center of Genomic medicine, Geneva, University Hospital of Geneva
Classification: Likely pathogenic for Ataxia-telangiectasia syndrome. Last evaluated: 2016-07-05. Review status: criteria provided, single submitter. Criteria: ACMG Guidelines, 2015. Collection method: clinical testing. Allele origin: paternal. Affected: yes. Observed: 2 variant alleles. Not counted in ClinVar's aggregate classification.

Kariminejad - Najmabadi Pathology & Genetics Center
Classification: Likely pathogenic for Ataxia-telangiectasia syndrome. Last evaluated: 2016-03-08. Review status: criteria provided, single submitter. Criteria: ACMG Guidelines, 2015. Collection method: clinical testing. Allele origin: germline. Inheritance: Autosomal recessive inheritance. Affected: yes. Not counted in ClinVar's aggregate classification.
Comment: PS1, PM2, PP3, BP1

Ambry Genetics
Classification: Likely pathogenic for Hereditary cancer-predisposing syndrome. Last evaluated: 2014-01-28. Review status: criteria provided, single submitter. Criteria: Ambry Autosomal Dominant and X-Linked criteria (10/2015). Collection method: clinical testing. Allele origin: germline. Observed: 1 variant allele. Not counted in ClinVar's aggregate classification.
Comment: The p.D2016G variant (also known as c.6047A>G), located in coding exon 40 of the ATM gene, results from an A to G substitution at nucleotide position 6047. The aspartic acid at codon 2016 is replaced by glycine, an amino acid with similar properties. 1999;8(1):69-79; Babaei M et al. Hum Genet. 2011;12(4):273-82). Two separate functional studies have shown that the p.D2016G variant produces only trace amounts of ATM protein, that the variant protein has no detectable kinase activity, and that cell lines containing this variant have increased radiosensitivity (Sandoval N et al. Hum Mol Genet. 1999;8(1):69-79; Mitui M et al. Hum Mutat. 2009;30(1):12-21.This variant was not reported in population based cohorts in the following databases: Database of Single Nucleotide Polymorphisms (dbSNP), NHLBI Exome Sequencing Project (ESP), and 1000 Genomes Project. To date, this alteration has been detected with an allele frequency of approximately 0.05% (greater than 1800 alleles tested) in our clinical cohort (includes this individual). This amino acid position is highly conserved in available vertebrate species. In addition, the in silico prediction for this alteration is inconclusive. Based on the majority of available evidence to date, this variant is likely to be pathogenic.

BRCAlab, Lund University
Classification: Likely pathogenic for Familial cancer of breast. Last evaluated: 2022-08-26. Review status: no assertion criteria provided. Collection method: clinical testing. Allele origin: germline. Affected: yes. Not counted in ClinVar's aggregate classification.

Medical Genetics Laboratory, Umraniye Training and Research Hospital, University of Health Sciences
Classification: Likely pathogenic for Breast carcinoma. Review status: no assertion criteria provided. Collection method: clinical testing. Allele origin: germline. Inheritance: Autosomal dominant inheritance. Affected: yes. Not counted in ClinVar's aggregate classification.
Comment: Pathology: Invasive breast carcinoma with multifocal papillary growth pattern

Literature cited by the submitters: PubMed 9887333 (cited by GeneKor MSA and Labcorp Genetics (formerly Invitae), Labcorp); PubMed 21965147 (cited by 4 submitters); PubMed 18634022 (cited by 3 submitters); PubMed 28120234 (cited by Labcorp Genetics (formerly Invitae), Labcorp and Natera, Inc.); PubMed 31741144 (cited by Labcorp Genetics (formerly Invitae), Labcorp); PubMed 32658311 (cited by Labcorp Genetics (formerly Invitae), Labcorp); PubMed 34686943 (cited by Natera, Inc.); PubMed 26896183 (cited by Natera, Inc.).

NM_000051.4(ATM):c.6047A>G (p.Asp2016Gly)

Genes: ATM (ATM serine/threonine kinase; plus strand), C11orf65 (chromosome 11 open reading frame 65; minus strand). Cytogenetic location: 11q22.3.
Variant type: single nucleotide variant.
Coding change: c.6047A>G on transcript NM_000051.4 (MANE Select); coding-DNA position 6047, A replaced by G.
Protein change: p.Asp2016Gly; replaces aspartic acid 2016 with glycine.
Molecular consequence: missense variant. On other transcripts: intron variant (2).
Genome position (GRCh38, 1-based): chr11:108,315,863, A>G. VCF-style: chr11-108315863-A-G. GRCh37 (hg19) VCF-style: chr11-108186590-A-G.
Other names: NM_000051.4(ATM):c.6047A>G; c.6047A>G, p.Asp2016Gly (NM_001351834.2); c.641-6792T>C (NM_001330368.2); c.*39-6792T>C (NM_001351110.2); short protein forms D2016G.
Identifiers: ClinVar variation 140823 (VCV000140823.92), dbSNP rs587781302, ClinGen allele CA163663.